The following is an entry in ClinVar:

NM_015103.3(PLXND1):c.5646G>A (p.Lys1882=)

Gene: PLXND1 (plexin D1; minus strand). Cytogenetic location: 3q22.1.
Variant type: single nucleotide variant.
Coding change: c.5646G>A on transcript NM_015103.3 (MANE Select); coding-DNA position 5646, G replaced by A.
Protein change: p.Lys1882=; no amino-acid change (lysine 1882 retained).
Molecular consequence: synonymous variant.
Genome position (GRCh38, 1-based): chr3:129,556,632, C>T on the plus strand (G>A on the coding strand, the complement: PLXND1 is on the minus strand). VCF-style: chr3-129556632-C-T. GRCh37 (hg19) VCF-style: chr3-129275475-C-T.
Identifiers: ClinVar variation 3050325 (VCV003050325.2), dbSNP rs145816641, ClinGen allele CA2607769.

ClinVar aggregate classification (germline): Likely benign (0 of 4 stars; one submission).

Conditions:
PLXND1-related disorder. Also called: PLXND1-related condition.

Allele frequency attached by ClinVar (database versions not stated): gnomAD exomes 0.00004; ExAC 0.00019; ESP Exome Variant Server 0.00069; gnomAD 0.00072; 1000 Genomes Project 0.00080; TOPMed 0.00080; 1000 Genomes Project 30x 0.00094.
gnomAD v4.1: 165 of 1,612,990 alleles (0.01%); highest among the groups gnomAD compares: African/African-American, 0.21%; 2 homozygotes.

Submission:

PreventionGenetics, part of Exact Sciences
Classification: Likely benign for PLXND1-related condition. Last evaluated: 2019-07-15. Review status: no assertion criteria provided. Collection method: clinical testing. Allele origin: germline.
Comment: This variant is classified as likely benign based on ACMG/AMP sequence variant interpretation guidelines (Richards et al. 2015 PMID: 25741868, with internal and published modifications).